The following is an entry in ClinVar:

ClinVar aggregate classification (germline): Uncertain significance (1 of 4 stars; one submission).

Allele frequency attached by ClinVar (database versions not stated): TOPMed below 0.00001; gnomAD exomes 0.00001.
gnomAD v4.1: 8 of 1,614,182 alleles (0.0005%); highest among the groups gnomAD compares: Non-Finnish European, 0.00068%; no homozygotes.

Submission:

Labcorp Genetics (formerly Invitae), Labcorp
Classification: Uncertain significance. Last evaluated: 2021-11-30. Review status: criteria provided, single submitter. Criteria: Invitae Variant Classification Sherloc (09022015). Collection method: clinical testing. Allele origin: germline.
Comment: This sequence change replaces isoleucine, which is neutral and non-polar, with valine, which is neutral and non-polar, at codon 620 of the SLC26A3 protein (p.Ile620Val). This variant is present in population databases (no rsID available, gnomAD 0.0009%). This variant has not been reported in the literature in individuals affected with SLC26A3-related conditions. Advanced modeling of protein sequence and biophysical properties (such as structural, functional, and spatial information, amino acid conservation, physicochemical variation, residue mobility, and thermodynamic stability) performed at Invitae indicates that this missense variant is not expected to disrupt SLC26A3 protein function. In summary, the available evidence is currently insufficient to determine the role of this variant in disease. Therefore, it has been classified as a Variant of Uncertain Significance.

NM_000111.3(SLC26A3):c.1858A>G (p.Ile620Val)

Gene: SLC26A3 (solute carrier family 26 member 3; minus strand). Cytogenetic location: 7q22.3.
Variant type: single nucleotide variant.
Coding change: c.1858A>G on transcript NM_000111.3 (MANE Select); coding-DNA position 1858, A replaced by G.
Protein change: p.Ile620Val; replaces isoleucine 620 with valine.
Molecular consequence: missense variant.
Genome position (GRCh38, 1-based): chr7:107,774,069, T>C on the plus strand (A>G on the coding strand, the complement: SLC26A3 is on the minus strand). VCF-style: chr7-107774069-T-C. GRCh37 (hg19) VCF-style: chr7-107414514-T-C.
Other names: short protein forms I620V.
Identifiers: ClinVar variation 1916470 (VCV001916470.2), dbSNP rs1012722969, ClinGen allele CA164232776.